The following is an entry in ClinVar:

ClinVar aggregate classification (germline): Likely pathogenic (1 of 4 stars; one submission).

Submission:

GeneDx
Classification: Likely pathogenic. Last evaluated: 2016-11-17. Review status: criteria provided, single submitter. Criteria: GeneDx Variant Classification (06012015). Collection method: clinical testing. Allele origin: germline. Affected: yes.
Comment: The c.1543-2 A>C splice site variant in the ATP2A2 gene destroys the canonical splice acceptor site in intron 12. It is predicted to cause abnormal gene splicing, either leading to an abnormal message that is subject to nonsense-mediated mRNA decay, or to an abnormal protein product if the message is used for protein translation. Additionally, it was not observed in approximately 6,500 individuals of European and African American ancestry in the NHLBI Exome Sequencing Project, indicating it is not a common benign variant in these populations. This variant is likely pathogenic; however, the possibility that it is benign cannot be excluded.

NM_170665.4(ATP2A2):c.1543-2A>C

Gene: ATP2A2 (ATPase sarcoplasmic/endoplasmic reticulum Ca2+ transporting 2; plus strand). Cytogenetic location: 12q24.11.
Variant type: single nucleotide variant.
Coding change: c.1543-2A>C on transcript NM_170665.4 (MANE Select); the canonical splice acceptor site of the intron before coding-DNA position 1543, A replaced by C.
Molecular consequence: splice acceptor variant.
Genome position (GRCh38, 1-based): chr12:110,339,501, A>C. VCF-style: chr12-110339501-A-C. GRCh37 (hg19) VCF-style: chr12-110777306-A-C.
Other names: c.1168-2A>C (NM_001413015.1); c.1543-2A>C (NM_001413014.1, NM_001681.4); c.1438-2A>C (NM_001413013.1).
Identifiers: ClinVar variation 373516 (VCV000373516.1), dbSNP rs1057518457, ClinGen allele CA16042777.